The following is an entry in ClinVar:

NM_001367624.2(ZNF469):c.3789_3791dup (p.Leu1263_Ile1264insMet)

Gene: ZNF469 (zinc finger protein 469; plus strand). Cytogenetic location: 16q24.2.
Variant type: Duplication.
Coding change: c.3789_3791dup on transcript NM_001367624.2 (MANE Select); coding-DNA positions 3789 to 3791, 3 bases duplicated (GAT; older notation c.3789_3791dupGAT).
Protein change: p.Leu1263_Ile1264insMet.
Molecular consequence: inframe insertion.
Genome position (GRCh38, 1-based): chr16:88,431,259-88,431,261, GAT duplicated; duplicating any 3 consecutive bases within chr16:88,431,258-88,431,261 gives the same sequence; the c. name uses the placement nearest the transcript's 3' end. VCF-style (leftmost placement, unchanged base first): chr16-88431257-C-CTGA. GRCh37 (hg19) VCF-style: chr16-88497665-C-CTGA.
Identifiers: ClinVar variation 2764932 (VCV002764932.3), dbSNP rs2507584858, ClinGen allele CA2697556003.
Genomic context (GRCh38, chr16:88,431,257, plus strand): 5'-GAGGCTTTGCGTTCTCCTCCAGCCGCCTGTGCGGGAGAAATGGGAGCAAGCCCCGGTCTC[C>CTGA]TGATACCAGAGCAGCCGCCGCCCAGCAGACATGACACCGGCACCCCCAAGCCGTCGGGAA-3'

ClinVar aggregate classification (germline): Uncertain significance (1 of 4 stars; one submission).

Submission:

Labcorp Genetics (formerly Invitae), Labcorp
Classification: Uncertain significance. Last evaluated: 2023-10-03. Review status: criteria provided, single submitter. Criteria: Invitae Variant Classification Sherloc (09022015). Collection method: clinical testing. Allele origin: germline.
Comment: This variant, c.3705_3707dup, results in the insertion of 1 amino acid(s) of the ZNF469 protein (p.Leu1235_Ile1236insMet), but otherwise preserves the integrity of the reading frame. This variant is not present in population databases (gnomAD no frequency). This variant has not been reported in the literature in individuals affected with ZNF469-related conditions. Experimental studies and prediction algorithms are not available or were not evaluated, and the functional significance of this variant is currently unknown. In summary, the available evidence is currently insufficient to determine the role of this variant in disease. Therefore, it has been classified as a Variant of Uncertain Significance.